The following is an entry in ClinVar:

NM_000444.6(PHEX):c.1283del (p.Gln428fs)

Gene: PHEX (phosphate regulating endopeptidase X-linked; plus strand). Cytogenetic location: Xp22.11.
Variant type: Deletion.
Coding change: c.1283del on transcript NM_000444.6 (MANE Select); coding-DNA position 1283, one base deleted (A; older notation c.1283delA).
Protein change: p.Gln428fs; shifts the reading frame from glutamine 428.
Molecular consequence: frameshift variant.
Genome position (GRCh38, 1-based): chrX:22,114,567, A deleted. VCF-style (leftmost placement, unchanged base first): chrX-22114566-CA-C. GRCh37 (hg19) VCF-style: chrX-22132684-CA-C.
Other names: c.1283del, p.Gln428fs (NM_001282754.2); short protein forms Q428fs.
Identifiers: ClinVar variation 2023684 (VCV002023684.5), dbSNP rs2518520815, ClinGen allele CA2580100497.

ClinVar aggregate classification (germline): Pathogenic. Review status: criteria provided, single submitter (1 of 4 stars). 2 submissions from 2 submitters: Pathogenic (1). 1 of the submissions does not count toward it. Last evaluated 2022-08-12.

Conditions:
Childhood hypophosphatasia. Identifiers: Orphanet 247667, Orphanet 436, MedGen C0220743, MONDO:1010168, OMIM 241510, MONDO:0009428.

Submissions (2):

Labcorp Genetics (formerly Invitae), Labcorp
Classification: Pathogenic. Last evaluated: 2022-08-12. Review status: criteria provided, single submitter. Criteria: Invitae Variant Classification Sherloc (09022015). Collection method: clinical testing. Allele origin: germline.
Comment: This sequence change creates a premature translational stop signal (p.Gln428Argfs*7) in the PHEX gene. It is expected to result in an absent or disrupted protein product. Loss-of-function variants in PHEX are known to be pathogenic (PMID: 9097956, 9106524, 19219621). This variant is not present in population databases (gnomAD no frequency). This variant has not been reported in the literature in individuals affected with PHEX-related conditions. For these reasons, this variant has been classified as Pathogenic.

Department of Pediatric Endocrinology, Shriners Hospitals for Children - Mexico City
No classification provided. Condition: Childhood hypophosphatasia. Review status: no classification provided. Collection method: phenotyping only. Allele origin: germline. Inheritance: X-linked dominant inheritance. Affected: yes. Observed: 1 variant allele. Not counted in ClinVar's aggregate classification.

Literature cited by the submitters: PubMed 9097956 (cited by Labcorp Genetics (formerly Invitae), Labcorp); PubMed 9106524 (cited by Labcorp Genetics (formerly Invitae), Labcorp); PubMed 19219621 (cited by Labcorp Genetics (formerly Invitae), Labcorp).